The following is an entry in ClinVar:

ClinVar aggregate classification (germline): Uncertain significance (1 of 4 stars; one submission).

Conditions:
Myopathy, tubular aggregate, 2 (TAM2). Identifiers: MedGen C4014557, MONDO:0014383, OMIM 615883.
Combined immunodeficiency due to ORAI1 deficiency. Also called: IMMUNODEFICIENCY 9. Identifiers: Orphanet 169090, Orphanet 317428, MedGen C2748568, MONDO:0013007, OMIM 612782.

Submission:

Labcorp Genetics (formerly Invitae), Labcorp
Classification: Uncertain significance for Myopathy, tubular aggregate, 2; Combined immunodeficiency due to ORAI1 deficiency. Last evaluated: 2021-06-28. Review status: criteria provided, single submitter. Criteria: Invitae Variant Classification Sherloc (09022015). Collection method: clinical testing. Allele origin: germline.
Comment: In summary, the available evidence is currently insufficient to determine the role of this variant in disease. Therefore, it has been classified as a Variant of Uncertain Significance. Experimental studies and prediction algorithms are not available or were not evaluated, and the functional significance of this variant is currently unknown. This variant has not been reported in the literature in individuals with ORAI1-related conditions. This variant is not present in population databases (ExAC no frequency). This sequence change replaces glycine with aspartic acid at codon 57 of the ORAI1 protein (p.Gly57Asp). The glycine residue is weakly conserved and there is a moderate physicochemical difference between glycine and aspartic acid.

NC_000012.12:g.121626917G>A

Genes: ORAI1 (ORAI calcium release-activated calcium modulator 1; plus strand), LOC130008987 (ATAC-STARR-seq lymphoblastoid silent region 4981; plus strand). Cytogenetic location: 12q24.31.
Variant type: single nucleotide variant.
Genome position: GRCh38 VCF-style: chr12-121626917-G-A. GRCh37 (hg19) VCF-style: chr12-122064823-G-A.
Other names: c.170G>A, p.Gly57Asp (NM_032790.4); short protein forms G57D.
Identifiers: ClinVar variation 1364248 (VCV001364248.6), dbSNP rs370688474, ClinGen allele CA386980879.